The following is an entry in ClinVar:

ClinVar aggregate classification (germline): Conflicting classifications of pathogenicity. Review status: criteria provided, conflicting classifications (1 of 4 stars). 4 submissions from 4 submitters: Uncertain significance (2); Likely benign (2). Last evaluated 2024-11-07.

Conditions:
Curry-Hall syndrome (WAD). Also called: WEYERS ACRODENTAL DYSOSTOSIS. Identifiers: Orphanet 952, MedGen C0457013, MONDO:0008673, OMIM 193530.
Ellis-van Creveld syndrome (EVC). Also called: MESOECTODERMAL DYSPLASIA; Chondroectodermal dysplasia. Identifiers: Orphanet 289, MedGen C0013903, MONDO:0009162, OMIM 225500.
Inborn genetic diseases. Identifiers: MedGen C0950123, MeSH D030342.

Allele frequency attached by ClinVar (database versions not stated): gnomAD 0.00011 and 0.00015; 1000 Genomes Project 30x 0.00016; 1000 Genomes Project 0.00020; TOPMed 0.00022; ESP Exome Variant Server 0.00038.
gnomAD v4.1: 465 of 1,614,168 alleles (0.029%); highest among the groups gnomAD compares: East Asian, 0.047%; no homozygotes.

Submissions (4):

Blueprint Genetics
Classification: Likely benign. Last evaluated: 2024-11-07. Review status: criteria provided, single submitter. Criteria: ACMG Guidelines, 2015. Collection method: clinical testing. Allele origin: germline.

Labcorp Genetics (formerly Invitae), Labcorp
Classification: Uncertain significance for Curry-Hall syndrome; Ellis-van Creveld syndrome. Last evaluated: 2024-07-22. Review status: criteria provided, single submitter. Criteria: Invitae Variant Classification Sherloc (09022015). Collection method: clinical testing. Allele origin: germline.
Comment: This sequence change replaces arginine, which is basic and polar, with glutamine, which is neutral and polar, at codon 955 of the EVC2 protein (p.Arg955Gln). This variant is present in population databases (rs145786485, gnomAD 0.08%). This variant has not been reported in the literature in individuals affected with EVC2-related conditions. ClinVar contains an entry for this variant (Variation ID: 348995). An algorithm developed to predict the effect of missense changes on protein structure and function outputs the following: PolyPhen-2: "Benign". The glutamine amino acid residue is found in multiple mammalian species, which suggests that this missense change does not adversely affect protein function. In summary, the available evidence is currently insufficient to determine the role of this variant in disease. Therefore, it has been classified as a Variant of Uncertain Significance.

Ambry Genetics
Classification: Likely benign for Inborn genetic diseases. Last evaluated: 2022-03-21. Review status: criteria provided, single submitter. Criteria: Ambry Variant Classification Scheme 2023. Collection method: clinical testing. Allele origin: germline.

Illumina Laboratory Services, Illumina
Classification: Uncertain significance for Ellis-van Creveld syndrome. Last evaluated: 2018-01-12. Review status: criteria provided, single submitter. Criteria: ICSL Variant Classification Criteria 13 December 2019. Collection method: clinical testing. Allele origin: germline.

NM_147127.5(EVC2):c.2864G>A (p.Arg955Gln)

Gene: EVC2 (EvC ciliary complex subunit 2; minus strand). Cytogenetic location: 4p16.2.
Variant type: single nucleotide variant.
Coding change: c.2864G>A on transcript NM_147127.5 (MANE Select); coding-DNA position 2864, G replaced by A.
Protein change: p.Arg955Gln; replaces arginine 955 with glutamine.
Molecular consequence: missense variant.
Genome position (GRCh38, 1-based): chr4:5,584,816, C>T on the plus strand (G>A on the coding strand, the complement: EVC2 is on the minus strand). VCF-style: chr4-5584816-C-T. GRCh37 (hg19) VCF-style: chr4-5586543-C-T.
Other names: c.2624G>A, p.Arg875Gln (NM_001166136.2); short protein forms R955Q, R875Q.
Identifiers: ClinVar variation 348995 (VCV000348995.9), dbSNP rs145786485, ClinGen allele CA2834538.